The following is an entry in ClinVar:

ClinVar aggregate classification (germline): Uncertain significance (1 of 4 stars; one submission).

Submission:

Labcorp Genetics (formerly Invitae), Labcorp
Classification: Uncertain significance. Last evaluated: 2022-10-08. Review status: criteria provided, single submitter. Criteria: Invitae Variant Classification Sherloc (09022015). Collection method: clinical testing. Allele origin: germline.
Comment: In summary, the available evidence is currently insufficient to determine the role of this variant in disease. Therefore, it has been classified as a Variant of Uncertain Significance. Algorithms developed to predict the effect of missense changes on protein structure and function are either unavailable or do not agree on the potential impact of this missense change (SIFT: "Tolerated"; PolyPhen-2: "Not Available"; Align-GVGD: "Class C0"). This variant has not been reported in the literature in individuals affected with ERCC6L2-related conditions. This variant is not present in population databases (gnomAD no frequency). This sequence change replaces glutamic acid, which is acidic and polar, with aspartic acid, which is acidic and polar, at codon 998 of the ERCC6L2 protein (p.Glu998Asp).

NM_020207.7(ERCC6L2):c.2961A>T (p.Glu987Asp)

Gene: ERCC6L2 (ERCC excision repair 6 like 2; plus strand). Cytogenetic location: 9q22.32.
Variant type: single nucleotide variant.
Coding change: c.2961A>T on transcript NM_020207.7 (MANE Select); coding-DNA position 2961, A replaced by T.
Protein change: p.Glu987Asp; replaces glutamic acid 987 with aspartic acid.
Molecular consequence: missense variant. On other transcripts: non-coding transcript variant (1).
Genome position (GRCh38, 1-based): chr9:95,972,712, A>T. VCF-style: chr9-95972712-A-T. GRCh37 (hg19) VCF-style: chr9-98734994-A-T.
Other names: c.2961A>T, p.Glu987Asp (NM_001375291.1, NM_001375292.1, NM_001375293.1 and 1 more transcripts); short protein forms E987D.
Identifiers: ClinVar variation 1721321 (VCV001721321.5), dbSNP rs2490557640, ClinGen allele CA2579390402.
Genomic context (GRCh38, chr9:95,972,712, plus strand): 5'-GAAATCTATTTTGAAAAGAAAAGGCACCAGTGATATCAGTGATGAATCTGATGACATTGA[A>T]ATTTCTTCCAAGTCAAGAGTAAGAAAGAGAGCTAGTTCATTGAGGTTTAAGAGAATAAAA-3'
Protein context (NP_064592.3, residues 977-997): SDISDESDDI[Glu987Asp]ISSKSRVRKR